The following is an entry in ClinVar:

NM_005327.7(HADH):c.795C>T (p.Val265=)

Gene: HADH (hydroxyacyl-CoA dehydrogenase; plus strand). Cytogenetic location: 4q25.
Variant type: single nucleotide variant.
Coding change: c.795C>T on transcript NM_005327.7 (MANE Select); coding-DNA position 795, C replaced by T.
Protein change: p.Val265=; no amino-acid change (valine 265 retained).
Molecular consequence: synonymous variant.
Genome position (GRCh38, 1-based): chr4:108,033,261, C>T. VCF-style: chr4-108033261-C-T. GRCh37 (hg19) VCF-style: chr4-108954417-C-T.
Other names: c.846C>T, p.Val282= (NM_001184705.4); c.807C>T, p.Val269= (NM_001331027.2).
Identifiers: ClinVar variation 744099 (VCV000744099.9), dbSNP rs143416676, ClinGen allele CA3037627.

ClinVar aggregate classification (germline): Benign/Likely benign. Review status: criteria provided, multiple submitters, no conflicts (2 of 4 stars). 2 submissions from 2 submitters: Benign (1); Likely benign (1). Last evaluated 2024-07-06.

Conditions:
Deficiency of 3-hydroxyacyl-CoA dehydrogenase. Also called: 3-hydroxyacyl-CoA dehydrogenase deficiency; HADH DEFICIENCY. Identifiers: Orphanet 309127, Orphanet 71212, MedGen C1291230, MONDO:0017715, OMIM 231530.
Hyperinsulinemic hypoglycemia. Also called: Hyperinsulinemia hypoglycemia; Hyperinsulinemic hypoglycemia (disease). Identifiers: Orphanet 443095, MedGen C1864903, MONDO:0005803, HP:0000825.

Allele frequency attached by ClinVar (database versions not stated): gnomAD 0.00003 and 0.00004; TOPMed 0.00003; ExAC 0.00005; gnomAD exomes 0.00006; ESP Exome Variant Server 0.00015.
gnomAD v4.1: 58 of 1,589,932 alleles (0.0036%); highest among the groups gnomAD compares: Admixed American, 0.0067%; no homozygotes.

Submissions (2):

Labcorp Genetics (formerly Invitae), Labcorp
Classification: Likely benign for Deficiency of 3-hydroxyacyl-CoA dehydrogenase. Last evaluated: 2024-07-06. Review status: criteria provided, single submitter. Criteria: Invitae Variant Classification Sherloc (09022015). Collection method: clinical testing. Allele origin: germline.

Clinical Genomics, Uppaluri K&H Personalized Medicine Clinic
Classification: Benign for Hyperinsulinemic hypoglycemia. Review status: criteria provided, single submitter. Criteria: K & H Uppaluri Personalized Medicine Clinic Variant Classification & Assertion Criteria_Updated V.1. Collection method: research. Allele origin: unknown. Inheritance: Autosomal recessive inheritance.
Comment: Potent mutations in HADH gene are associated with congenital hyperinsulinism, which leads to recurrent hypoglycemia. The condition is exacerbated by stress, fasting or excessive dietary protein. May respond well to diazoxide. However, the role of this particular variant rs143416676 in congenital hyperinsulinism is yet to be ascertained.

Literature cited by the submitters: PubMed 34547194 (cited by Clinical Genomics, Uppaluri K&H Personalized Medicine Clinic); PubMed 34055426 (cited by Clinical Genomics, Uppaluri K&H Personalized Medicine Clinic); PubMed 29280746 (cited by Clinical Genomics, Uppaluri K&H Personalized Medicine Clinic).